The following is an entry in ClinVar:

ClinVar aggregate classification (germline): Pathogenic (1 of 4 stars; one submission).

Conditions:
Deficiency of alpha-mannosidase (MANSA). Also called: LYSOSOMAL ALPHA-D-MANNOSIDASE DEFICIENCY; Alpha-Mannosidosis; Mannosidosis, alpha-, types I and II. Identifiers: Orphanet 61, MedGen C0024748, MONDO:0009561, OMIM 248500.

Submission:

Labcorp Genetics (formerly Invitae), Labcorp
Classification: Pathogenic for Deficiency of alpha-mannosidase. Last evaluated: 2022-03-28. Review status: criteria provided, single submitter. Criteria: Invitae Variant Classification Sherloc (09022015). Collection method: clinical testing. Allele origin: germline.
Comment: For these reasons, this variant has been classified as Pathogenic. This variant has not been reported in the literature in individuals affected with MAN2B1-related conditions. This variant is not present in population databases (gnomAD no frequency). This sequence change creates a premature translational stop signal (p.Gly383Alafs*94) in the MAN2B1 gene. It is expected to result in an absent or disrupted protein product. Loss-of-function variants in MAN2B1 are known to be pathogenic (PMID: 9915946, 22161967).

Literature cited by the submitters: PubMed 9915946; PubMed 22161967.

NM_000528.4(MAN2B1):c.1148del (p.Gly383fs)

Gene: MAN2B1 (mannosidase alpha class 2B member 1; minus strand). Cytogenetic location: 19p13.13.
Variant type: Deletion.
Coding change: c.1148del on transcript NM_000528.4 (MANE Select); coding-DNA position 1148, one base deleted (G; older notation c.1148delG).
Protein change: p.Gly383fs; shifts the reading frame from glycine 383.
Molecular consequence: frameshift variant.
Genome position (GRCh38, 1-based): chr19:12,658,306, C deleted on the plus strand (G on the coding strand, the reverse complement: MAN2B1 is on the minus strand); the first of 2 consecutive C bases (chr19:12,658,306-12,658,307); deleting either gives the same sequence. VCF-style (leftmost placement, unchanged base first): chr19-12658305-GC-G. GRCh37 (hg19) VCF-style: chr19-12769119-GC-G.
Other names: c.1145del, p.Gly382fs (NM_001173498.2); short protein forms G382fs, G383fs.
Identifiers: ClinVar variation 2118728 (VCV002118728.4), dbSNP rs2512503737, ClinGen allele CA2580096524.
Genomic context (GRCh38, chr19:12,658,305, plus strand): 5'-GCGCTCGTAGCGTTTGAGGGCCGGCCGACTGGAAAAGTAACCGGTCCAGAACTGGTGGGG[GC>G]CATCCGCGTAAGGGAAGAAGTCGTCATGTTTCACTGACCTACAGCGGCAGGGGCATTGAG-3'